The following is an entry in ClinVar:

NM_001080453.3(INTS1):c.4848C>T (p.Gly1616=)

Gene: INTS1 (integrator complex subunit 1; minus strand). Cytogenetic location: 7p22.3.
Variant type: single nucleotide variant.
Coding change: c.4848C>T on transcript NM_001080453.3 (MANE Select); coding-DNA position 4848, C replaced by T.
Protein change: p.Gly1616=; no amino-acid change (glycine 1616 retained).
Molecular consequence: synonymous variant.
Genome position (GRCh38, 1-based): chr7:1,477,640, G>A on the plus strand (C>T on the coding strand, the complement: INTS1 is on the minus strand). VCF-style: chr7-1477640-G-A. GRCh37 (hg19) VCF-style: chr7-1517276-G-A.
Identifiers: ClinVar variation 4281508 (VCV004281508.7).

ClinVar aggregate classification (germline): Likely benign (1 of 4 stars; one submission).

gnomAD v4.1: 7 of 1,590,664 alleles (0.00044%); highest among the groups gnomAD compares: Admixed American, 0.007%; no homozygotes.

Submission:

CeGaT Center for Human Genetics Tuebingen
Classification: Likely benign. Last evaluated: 2025-09-01. Review status: criteria provided, single submitter. Criteria: CeGaT Center For Human Genetics Tuebingen Variant Classification Criteria Version 2. Collection method: clinical testing. Allele origin: germline. Affected: yes. Observed: 1 variant allele.
Comment: INTS1: BP4, BP7